The following is an entry in ClinVar:

NM_001080453.3(INTS1):c.3224C>T (p.Pro1075Leu)

Gene: INTS1 (integrator complex subunit 1; minus strand). Cytogenetic location: 7p22.3.
Variant type: single nucleotide variant.
Coding change: c.3224C>T on transcript NM_001080453.3 (MANE Select); coding-DNA position 3224, C replaced by T.
Protein change: p.Pro1075Leu; replaces proline 1075 with leucine.
Molecular consequence: missense variant.
Genome position (GRCh38, 1-based): chr7:1,485,135, G>A on the plus strand (C>T on the coding strand, the complement: INTS1 is on the minus strand). VCF-style: chr7-1485135-G-A. GRCh37 (hg19) VCF-style: chr7-1524771-G-A.
Other names: short protein forms P1075L.
Identifiers: ClinVar variation 1695541 (VCV001695541.6), dbSNP rs538692539, ClinGen allele CA4119401.

ClinVar aggregate classification (germline): Uncertain significance. Review status: criteria provided, multiple submitters, no conflicts (2 of 4 stars). 2 submissions from 2 submitters: Uncertain significance (2). Last evaluated 2025-05-22.

Conditions:
Inborn genetic diseases. Identifiers: MedGen C0950123, MeSH D030342.

Allele frequency attached by ClinVar (database versions not stated): ExAC 0.00002; TOPMed 0.00010; gnomAD 0.00011; gnomAD exomes 0.00001 and 0.00002; 1000 Genomes Project 0.00020; 1000 Genomes Project 30x 0.00016.
gnomAD v4.1: 34 of 1,601,154 alleles (0.0021%); highest among the groups gnomAD compares: African/African-American, 0.037%; no homozygotes.

Submissions (2):

GeneDx
Classification: Uncertain significance. Last evaluated: 2025-05-22. Review status: criteria provided, single submitter. Criteria: GeneDx Variant Classification Process June 2021. Collection method: clinical testing. Allele origin: germline. Affected: yes.
Comment: In silico analysis supports that this missense variant has a deleterious effect on protein structure/function; Has not been previously published as pathogenic or benign to our knowledge

Ambry Genetics
Classification: Uncertain significance for Inborn genetic diseases. Last evaluated: 2021-10-05. Review status: criteria provided, single submitter. Criteria: Ambry Variant Classification Scheme 2023. Collection method: clinical testing. Allele origin: germline.